The following is an entry in ClinVar:

ClinVar aggregate classification (germline): Benign (1 of 4 stars; one submission).

Allele frequency attached by ClinVar (database versions not stated): 1000 Genomes Project 0.00419; ESP Exome Variant Server 0.00947; ExAC 0.01039.

Submission:

CeGaT Center for Human Genetics Tuebingen
Classification: Benign. Last evaluated: 2024-02-01. Review status: criteria provided, single submitter. Criteria: CeGaT Center For Human Genetics Tuebingen Variant Classification Criteria Version 2. Collection method: clinical testing. Allele origin: germline. Affected: yes. Observed: 1 variant allele.
Comment: DGCR6: BP4, BS1, BS2

NM_005675.6(DGCR6):c.373-6C>T

Gene: DGCR6 (DiGeorge syndrome critical region gene 6; plus strand). Cytogenetic location: 22q11.21.
Variant type: single nucleotide variant.
Coding change: c.373-6C>T on transcript NM_005675.6 (MANE Select); 6 bases into the intron before coding-DNA position 373, C replaced by T.
Molecular consequence: intron variant.
Genome position (GRCh38, 1-based): chr22:18,910,882, C>T. VCF-style: chr22-18910882-C-T. GRCh37 (hg19) VCF-style: chr22-18898395-C-T.
Identifiers: ClinVar variation 3024841 (VCV003024841.22), dbSNP rs41277584, ClinGen allele CA10094687.
Genomic context (GRCh38, chr22:18,910,882, plus strand): 5'-GGACAGCAGCAGGAGCATGTGTTTGAGCTGCCCTCACCTCCCCCGCCGCCCCCGGCCCCA[C>T]GGCAGGCGGTGGAGCACCGGATCCGTGAGGAGCAGCGGGCGATGGACCAGAAGATCGTCC-3'